The following is an entry in ClinVar:

ClinVar aggregate classification (germline): Uncertain significance (1 of 4 stars; one submission).

gnomAD v4.1: 7 of 1,613,172 alleles (0.00043%); highest among the groups gnomAD compares: Middle Eastern, 0.016%; 1 homozygote.

Submission:

Women's Health and Genetics/Laboratory Corporation of America, LabCorp
Classification: Uncertain significance. Last evaluated: 2026-01-20. Review status: criteria provided, single submitter. Criteria: LabCorp Variant Classification Summary - May 2015. Collection method: clinical testing. Allele origin: germline.
Comment: Variant summary: TTN c.57481G>A (p.Glu19161Lys) results in a conservative amino acid change in the encoded protein sequence. Algorithms developed to predict the effect of missense changes on protein structure and function are either unavailable or do not agree on the potential impact of this missense change. The variant allele was found at a frequency of 4e-06 in 247952 control chromosomes. The available data on variant occurrences in the general population are insufficient to allow any conclusion about variant significance. To our knowledge, no occurrence of c.57481G>A in individuals affected with TTN-related conditions and no experimental evidence demonstrating its impact on protein function have been reported. No submitters have cited clinical-significance assessments for this variant to ClinVar. Based on the evidence outlined above, the variant was classified as uncertain significance.

NM_001267550.2(TTN):c.65185G>A (p.Glu21729Lys)

Genes: TTN (titin; minus strand), TTN-AS1 (TTN antisense RNA 1; plus strand). Cytogenetic location: 2q31.2.
Variant type: single nucleotide variant.
Coding change: c.65185G>A on transcript NM_001267550.2 (MANE Select); coding-DNA position 65185, G replaced by A.
Protein change: p.Glu21729Lys; replaces glutamic acid 21729 with lysine.
Molecular consequence: missense variant.
Genome position (GRCh38, 1-based): chr2:178,584,366, C>T on the plus strand (G>A on the coding strand, the complement: TTN is on the minus strand). VCF-style: chr2-178584366-C-T. GRCh37 (hg19) VCF-style: chr2-179449093-C-T.
Other names: c.60262G>A, p.Glu20088Lys (NM_001256850.1); c.37990G>A, p.Glu12664Lys (NM_003319.4); c.57481G>A, p.Glu19161Lys (NM_133378.4); c.38365G>A, p.Glu12789Lys (NM_133432.3); c.38566G>A, p.Glu12856Lys (NM_133437.4); short protein forms E12664K, E12789K, E12856K, E19161K, E20088K, E21729K.
Identifiers: ClinVar variation 4689226 (VCV004689226.1).